The following is an entry in ClinVar:

NM_004168.4(SDHA):c.83dup (p.Gly29fs)

Gene: SDHA (succinate dehydrogenase complex flavoprotein subunit A; plus strand). Cytogenetic location: 5p15.33.
Variant type: Duplication.
Coding change: c.83dup on transcript NM_004168.4 (MANE Select); coding-DNA position 83, one base duplicated (C; older notation c.83dupC).
Protein change: p.Gly29fs; shifts the reading frame from glycine 29.
Molecular consequence: frameshift variant.
Genome position (GRCh38, 1-based): chr5:223,501, C duplicated. VCF-style (leftmost placement, unchanged base first): chr5-223500-A-AC. GRCh37 (hg19) VCF-style: chr5-223615-A-AC.
Other names: c.83dup, p.Gly29fs (NM_001294332.2, NM_001330758.2); c.83dupC (NM_004168.2); short protein forms G29fs.
Identifiers: ClinVar variation 836479 (VCV000836479.10), dbSNP rs1734830402, ClinGen allele CA916082674.

ClinVar aggregate classification (germline): Pathogenic. Review status: criteria provided, multiple submitters, no conflicts (2 of 4 stars). 3 submissions from 3 submitters: Pathogenic (3). Last evaluated 2025-08-20.

Conditions:
Hereditary cancer-predisposing syndrome. Also called: Tumor predisposition; Hereditary neoplastic syndrome; Neoplastic Syndromes, Hereditary; Hereditary Cancer Syndrome. Identifiers: Orphanet 140162, MedGen C0027672, MeSH D009386, MONDO:0015356.
Pheochromocytoma/paraganglioma syndrome 5. Also called: Paragangliomas 5; SDHA-Related Hereditary Paraganglioma-Pheochromocytoma Syndrome. Identifiers: Orphanet 29072, MedGen C3279992, MONDO:0013602, OMIM 614165.
Mitochondrial complex II deficiency, nuclear type 1. Also called: SUCCINATE CoQ REDUCTASE DEFICIENCY. Identifiers: Orphanet 3208, MedGen C5700310, MONDO:0100294, OMIM 252011.

Submissions (3):

Ambry Genetics
Classification: Pathogenic for Hereditary cancer-predisposing syndrome. Last evaluated: 2025-08-20. Review status: criteria provided, single submitter. Criteria: Ambry Variant Classification Scheme 2023. Collection method: clinical testing. Allele origin: germline.
Comment: The c.83dupC pathogenic mutation, located in coding exon 2 of the SDHA gene, results from a duplication of C at nucleotide position 83, causing a translational frameshift with a predicted alternate stop codon (p.G29Rfs*10). This variant is considered to be rare based on population cohorts in the Genome Aggregation Database (gnomAD). This alteration is expected to result in loss of function by premature protein truncation or nonsense-mediated mRNA decay. As such, this alteration is interpreted as a disease-causing mutation.

Myriad Genetics, Inc.
Classification: Pathogenic for Pheochromocytoma/paraganglioma syndrome 5. Last evaluated: 2024-10-30. Review status: criteria provided, single submitter. Criteria: Myriad Autosomal Dominant, Autosomal Recessive and X-Linked Classification Criteria (2023). Collection method: clinical testing. Allele origin: unknown.
Comment: This variant is considered pathogenic. This variant creates a frameshift predicted to result in premature protein truncation.

Labcorp Genetics (formerly Invitae), Labcorp
Classification: Pathogenic for Pheochromocytoma/paraganglioma syndrome 5; Mitochondrial complex II deficiency, nuclear type 1. Last evaluated: 2022-08-26. Review status: criteria provided, single submitter. Criteria: Invitae Variant Classification Sherloc (09022015). Collection method: clinical testing. Allele origin: germline.
Comment: This sequence change creates a premature translational stop signal (p.Gly29Argfs*10) in the SDHA gene. It is expected to result in an absent or disrupted protein product. Loss-of-function variants in SDHA are known to be pathogenic (PMID: 22974104, 24781757). This variant is not present in population databases (gnomAD no frequency). This variant has not been reported in the literature in individuals affected with SDHA-related conditions. ClinVar contains an entry for this variant (Variation ID: 836479). For these reasons, this variant has been classified as Pathogenic.

Literature cited by the submitters: PubMed 22974104 (cited by Labcorp Genetics (formerly Invitae), Labcorp); PubMed 24781757 (cited by Labcorp Genetics (formerly Invitae), Labcorp).